The following is an entry in ClinVar:

NM_000316.3(PTH1R):c.1128C>G (p.Ile376Met)

Gene: PTH1R (parathyroid hormone 1 receptor; plus strand). Cytogenetic location: 3p21.31.
Variant type: single nucleotide variant.
Coding change: c.1128C>G on transcript NM_000316.3 (MANE Select); coding-DNA position 1128, C replaced by G.
Protein change: p.Ile376Met; replaces isoleucine 376 with methionine.
Molecular consequence: missense variant.
Genome position (GRCh38, 1-based): chr3:46,901,777, C>G. VCF-style: chr3-46901777-C-G. GRCh37 (hg19) VCF-style: chr3-46943267-C-G.
Other names: c.1128C>G, p.Ile376Met (NM_001184744.1); short protein forms I376M.
Identifiers: ClinVar variation 2842200 (VCV002842200.3), dbSNP rs1390451096, ClinGen allele CA352502451.

ClinVar aggregate classification (germline): Uncertain significance (1 of 4 stars; one submission).

gnomAD v4.1: 2 of 1,614,084 alleles (0.00012%); highest among the groups gnomAD compares: Admixed American, 0.0017%; no homozygotes.

Submission:

Labcorp Genetics (formerly Invitae), Labcorp
Classification: Uncertain significance. Last evaluated: 2023-03-02. Review status: criteria provided, single submitter. Criteria: Invitae Variant Classification Sherloc (09022015). Collection method: clinical testing. Allele origin: germline.
Comment: In summary, the available evidence is currently insufficient to determine the role of this variant in disease. Therefore, it has been classified as a Variant of Uncertain Significance. Advanced modeling of protein sequence and biophysical properties (such as structural, functional, and spatial information, amino acid conservation, physicochemical variation, residue mobility, and thermodynamic stability) performed at Invitae indicates that this missense variant is not expected to disrupt PTH1R protein function. This variant has not been reported in the literature in individuals affected with PTH1R-related conditions. This variant is present in population databases (no rsID available, gnomAD 0.003%). This sequence change replaces isoleucine, which is neutral and non-polar, with methionine, which is neutral and non-polar, at codon 376 of the PTH1R protein (p.Ile376Met).